The following is an entry in ClinVar:

NM_003275.4(TMOD1):c.525C>T (p.Asp175=)

Gene: TMOD1 (tropomodulin 1; plus strand). Cytogenetic location: 9q22.33.
Variant type: single nucleotide variant.
Coding change: c.525C>T on transcript NM_003275.4 (MANE Select); coding-DNA position 525, C replaced by T.
Protein change: p.Asp175=; no amino-acid change (aspartic acid 175 retained).
Molecular consequence: synonymous variant.
Genome position (GRCh38, 1-based): chr9:97,564,075, C>T. VCF-style: chr9-97564075-C-T. GRCh37 (hg19) VCF-style: chr9-100326357-C-T.
Other names: c.525C>T, p.Asp175= (NM_001166116.2).
Identifiers: ClinVar variation 2659337 (VCV002659337.25), dbSNP rs139897307, ClinGen allele CA5147322.

ClinVar aggregate classification (germline): Likely benign. Review status: criteria provided, multiple submitters, no conflicts (2 of 4 stars). 2 submissions from 2 submitters: Likely benign (2). Last evaluated 2024-09-20.

Allele frequency attached by ClinVar (database versions not stated): gnomAD exomes 0.00026; ExAC 0.00054; 1000 Genomes Project 0.00100; 1000 Genomes Project 30x 0.00109; gnomAD 0.00189; ESP Exome Variant Server 0.00238; TOPMed 0.00248.
gnomAD v4.1: 685 of 1,614,152 alleles (0.042%); highest among the groups gnomAD compares: African/African-American, 0.73%; 4 homozygotes.

Submissions (2):

Blueprint Genetics
Classification: Likely benign. Last evaluated: 2024-09-20. Review status: criteria provided, single submitter. Criteria: ACMG Guidelines, 2015. Collection method: clinical testing. Allele origin: germline.

CeGaT Center for Human Genetics Tuebingen
Classification: Likely benign. Last evaluated: 2022-09-01. Review status: criteria provided, single submitter. Criteria: CeGaT Center For Human Genetics Tuebingen Variant Classification Criteria Version 2. Collection method: clinical testing. Allele origin: germline. Affected: yes. Observed: 1 variant allele.
Comment: TMOD1: BP4, BP7